The following is an entry in ClinVar:

ClinVar aggregate classification (germline): Uncertain significance (1 of 4 stars; one submission).

Allele frequency attached by ClinVar (database versions not stated): gnomAD exomes below 0.00001; gnomAD 0.00001.
gnomAD v4.1: 4 of 1,206,984 alleles (0.00033%); highest among the groups gnomAD compares: Non-Finnish European, 0.00045%; no homozygotes.

Submission:

Labcorp Genetics (formerly Invitae), Labcorp
Classification: Uncertain significance. Last evaluated: 2024-09-05. Review status: criteria provided, single submitter. Criteria: Invitae Variant Classification Sherloc (09022015). Collection method: clinical testing. Allele origin: germline.
Comment: This sequence change replaces arginine, which is basic and polar, with glutamine, which is neutral and polar, at codon 895 of the RBM10 protein (p.Arg895Gln). The frequency data for this variant in the population databases is considered unreliable, as metrics indicate poor data quality at this position in the gnomAD database. This variant has not been reported in the literature in individuals affected with RBM10-related conditions. ClinVar contains an entry for this variant (Variation ID: 2101055). Invitae Evidence Modeling of protein sequence and biophysical properties (such as structural, functional, and spatial information, amino acid conservation, physicochemical variation, residue mobility, and thermodynamic stability) indicates that this missense variant is not expected to disrupt RBM10 protein function with a negative predictive value of 80%. In summary, the available evidence is currently insufficient to determine the role of this variant in disease. Therefore, it has been classified as a Variant of Uncertain Significance.

NM_005676.5(RBM10):c.2684G>A (p.Arg895Gln)

Gene: RBM10 (RNA binding motif protein 10; plus strand). Cytogenetic location: Xp11.3.
Variant type: single nucleotide variant.
Coding change: c.2684G>A on transcript NM_005676.5 (MANE Select); coding-DNA position 2684, G replaced by A.
Protein change: p.Arg895Gln; replaces arginine 895 with glutamine.
Molecular consequence: missense variant.
Genome position (GRCh38, 1-based): chrX:47,186,490, G>A. VCF-style: chrX-47186490-G-A. GRCh37 (hg19) VCF-style: chrX-47045889-G-A.
Other names: c.2453G>A, p.Arg818Gln (NM_001204466.2); c.2681G>A, p.Arg894Gln (NM_001204467.2); c.2879G>A, p.Arg960Gln (NM_001204468.2); c.2450G>A, p.Arg817Gln (NM_152856.3); short protein forms R817Q, R895Q, R960Q, R818Q, R894Q.
Identifiers: ClinVar variation 2101055 (VCV002101055.4), dbSNP rs1556782814, ClinGen allele CA412809957.
Genomic context (GRCh38, chrX:47,186,490, plus strand): 5'-CAGCATCCCCCACCAGCCTGACAGAGCCTGCCTCCCTCACACAGGCCCAAACACGGGTGC[G>A]GGGCTCCGGCCTGGGTGCACGGGGCAGCTCCTACGGGGTCACCTCAACCGAGTCCTACAA-3'
Protein context (NP_005667.2, residues 885-905): VTPIEAQTRV[Arg895Gln]GSGLGARGSS